The following is an entry in ClinVar:

NM_000329.3(RPE65):c.1090G>A (p.Glu364Lys)

Gene: RPE65 (retinoid isomerohydrolase RPE65; minus strand). Cytogenetic location: 1p31.3.
Variant type: single nucleotide variant.
Coding change: c.1090G>A on transcript NM_000329.3 (MANE Select); coding-DNA position 1090, G replaced by A.
Protein change: p.Glu364Lys; replaces glutamic acid 364 with lysine.
Molecular consequence: missense variant.
Genome position (GRCh38, 1-based): chr1:68,438,225, C>T on the plus strand (G>A on the coding strand, the complement: RPE65 is on the minus strand). VCF-style: chr1-68438225-C-T. GRCh37 (hg19) VCF-style: chr1-68903908-C-T.
Other names: c.982G>A, p.Glu328Lys (NM_001406853.1); c.814G>A, p.Glu272Lys (NM_001406856.1, NM_001406857.1); c.1090G>A, p.Glu364Lys (NM_001406859.1); short protein forms E272K, E364K, E328K.
Identifiers: ClinVar variation 4782857 (VCV004782857.1).

ClinVar aggregate classification (germline): Uncertain significance (1 of 4 stars; one submission).

Conditions:
Leber congenital amaurosis 2 (LCA2). Also called: AMAUROSIS CONGENITA OF LEBER II; Autosomal Recessive RPE65-Related Retinal Degeneration. Identifiers: Orphanet 65, MedGen C1859844, MONDO:0008765, OMIM 204100. Disease mechanism: loss of function.
Retinitis pigmentosa 20 (RP20). Identifiers: Orphanet 791, MedGen C3151086, MONDO:0013425, OMIM 613794.

Submission:

Labcorp Genetics (formerly Invitae), Labcorp
Classification: Uncertain significance for Leber congenital amaurosis 2; Retinitis pigmentosa 20. Last evaluated: 2025-04-29. Review status: criteria provided, single submitter. Criteria: Invitae Variant Classification Sherloc (09022015). Collection method: clinical testing. Allele origin: germline.
Comment: This sequence change replaces glutamic acid, which is acidic and polar, with lysine, which is basic and polar, at codon 364 of the RPE65 protein (p.Glu364Lys). This variant is not present in population databases (gnomAD no frequency). This variant has not been reported in the literature in individuals affected with RPE65-related conditions. Invitae Evidence Modeling of protein sequence and biophysical properties (such as structural, functional, and spatial information, amino acid conservation, physicochemical variation, residue mobility, and thermodynamic stability) indicates that this missense variant is not expected to disrupt RPE65 protein function with a negative predictive value of 80%. Algorithms developed to predict the effect of sequence changes on RNA splicing suggest that this variant may disrupt the consensus splice site. In summary, the available evidence is currently insufficient to determine the role of this variant in disease. Therefore, it has been classified as a Variant of Uncertain Significance.